The following is an entry in ClinVar:

ClinVar aggregate classification (germline): Likely benign. Review status: criteria provided, multiple submitters, no conflicts (2 of 4 stars). 4 submissions from 4 submitters: Likely benign (3). 1 of the submissions does not count toward it. Last evaluated 2024-05-22.

Conditions:
ROBO3-related disorder. Also called: ROBO3-related condition.

Allele frequency attached by ClinVar (database versions not stated): TOPMed 0.00030; 1000 Genomes Project 0.00040; 1000 Genomes Project 30x 0.00062.

Submissions (4):

Blueprint Genetics
Classification: Likely benign. Last evaluated: 2024-05-22. Review status: criteria provided, single submitter. Criteria: ACMG Guidelines, 2015. Collection method: clinical testing. Allele origin: germline.

Labcorp Genetics (formerly Invitae), Labcorp
Classification: Likely benign. Last evaluated: 2019-12-31. Review status: criteria provided, single submitter. Criteria: Invitae Variant Classification Sherloc (09022015). Collection method: clinical testing. Allele origin: germline.

Breakthrough Genomics
Classification: Likely benign. Review status: criteria provided, single submitter. Criteria: ACMG Guidelines, 2015. Collection method: not provided. Allele origin: germline. Inheritance: Autosomal recessive inheritance. Affected: yes.

PreventionGenetics, part of Exact Sciences
Classification: Likely benign for ROBO3-related condition. Last evaluated: 2019-02-25. Review status: no assertion criteria provided. Collection method: clinical testing. Allele origin: germline. Not counted in ClinVar's aggregate classification.
Comment: This variant is classified as likely benign based on ACMG/AMP sequence variant interpretation guidelines (Richards et al. 2015 PMID: 25741868, with internal and published modifications).

NM_022370.4(ROBO3):c.4075C>A (p.Arg1359=)

Gene: ROBO3 (roundabout guidance receptor 3; plus strand). Cytogenetic location: 11q24.2.
Variant type: single nucleotide variant.
Coding change: c.4075C>A on transcript NM_022370.4 (MANE Select); coding-DNA position 4075, C replaced by A.
Protein change: p.Arg1359=; no amino-acid change (arginine 1359 retained).
Molecular consequence: synonymous variant. On other transcripts: non-coding transcript variant (7).
Genome position (GRCh38, 1-based): chr11:124,880,534, C>A. VCF-style: chr11-124880534-C-A. GRCh37 (hg19) VCF-style: chr11-124750430-C-A.
Other names: c.1222C>A, p.Arg408= (NM_001370356.1, NM_001370357.1, NM_001370358.1 and 2 more transcripts); c.1027C>A, p.Arg343= (NM_001370364.1, NM_001370366.1).
Identifiers: ClinVar variation 744519 (VCV000744519.8), dbSNP rs145940106, ClinGen allele CA6344368.